The following is an entry in ClinVar:

ClinVar aggregate classification (germline): Conflicting classifications of pathogenicity. Review status: criteria provided, conflicting classifications (1 of 4 stars). 3 submissions from 3 submitters: Uncertain significance (1); Benign (1); Likely benign (1). Last evaluated 2024-11-15.

Conditions:
Mitochondrial complex I deficiency, nuclear type 1. Also called: NADH-COENZYME Q REDUCTASE DEFICIENCY; MITOCHONDRIAL NADH DEHYDROGENASE COMPONENT OF COMPLEX I, DEFICIENCY OF. Identifiers: MedGen C6022305, MONDO:0100224, OMIM 252010.

Allele frequency attached by ClinVar (database versions not stated): 1000 Genomes Project 0.00060; ESP Exome Variant Server 0.00208; gnomAD exomes 0.00234; 1000 Genomes Project 30x 0.00062; TOPMed 0.00187; gnomAD 0.00196 and 0.00203; ExAC 0.00418.
gnomAD v4.1: 5,714 of 1,604,632 alleles (0.36%); highest among the groups gnomAD compares: Non-Finnish European, 0.45%; 12 homozygotes.

Submissions (3):

Blueprint Genetics
Classification: Likely benign. Last evaluated: 2024-11-15. Review status: criteria provided, single submitter. Criteria: ACMG Guidelines, 2015. Collection method: clinical testing. Allele origin: germline.

Illumina Laboratory Services, Illumina
Classification: Uncertain significance for Mitochondrial complex I deficiency, nuclear type 1. Last evaluated: 2018-01-12. Review status: criteria provided, single submitter. Criteria: ICSL Variant Classification Criteria 13 December 2019. Collection method: clinical testing. Allele origin: germline.

GeneDx
Classification: Benign. Last evaluated: 2013-04-24. Review status: criteria provided, single submitter. Criteria: GeneDx Variant Classification (06012015). Collection method: clinical testing. Allele origin: germline. Affected: yes.
Comment: This variant is considered likely benign or benign based on one or more of the following criteria: it is a conservative change, it occurs at a poorly conserved position in the protein, it is predicted to be benign by multiple in silico algorithms, and/or has population frequency not consistent with disease.

NM_004550.5(NDUFS2):c.-20C>T

Genes: NDUFS2 (NADH:ubiquinone oxidoreductase core subunit S2; plus strand), LOC129931761 (ATAC-STARR-seq lymphoblastoid active region 1985; plus strand). Cytogenetic location: 1q23.3.
Variant type: single nucleotide variant.
Coding change: c.-20C>T on transcript NM_004550.5; 20 bases upstream of the start codon, C replaced by T.
Molecular consequence: 5 prime UTR variant.
Genome position (GRCh38, 1-based): chr1:161,202,366, C>T. VCF-style: chr1-161202366-C-T. GRCh37 (hg19) VCF-style: chr1-161172156-C-T.
Other names: c.-20C>T (NM_001377298.1, NM_001377300.1, NM_001377301.1).
Identifiers: ClinVar variation 138489 (VCV000138489.8), dbSNP rs201554004, ClinGen allele CA292501.
Genomic context (GRCh38, chr1:161,202,366, plus strand): 5'-ATAGGTGAGAAGCCAAGAAGGAGGCGCGCTGGAGTTACTTCCGCCCGGTTCTCCTTCCCG[C>T]AGTCTGCAGCCGGAGTAAGATGGCGGCGCTGAGGGCTTTGTGCGGCTTCCGGGGCGTCGC-3'